The following is an entry in ClinVar:

NM_024009.3(GJB3):c.506C>T (p.Pro169Leu)

Gene: GJB3 (gap junction protein beta 3; plus strand). Cytogenetic location: 1p34.3.
Variant type: single nucleotide variant.
Coding change: c.506C>T on transcript NM_024009.3 (MANE Select); coding-DNA position 506, C replaced by T.
Protein change: p.Pro169Leu; replaces proline 169 with leucine.
Molecular consequence: missense variant.
Genome position (GRCh38, 1-based): chr1:34,785,268, C>T. VCF-style: chr1-34785268-C-T. GRCh37 (hg19) VCF-style: chr1-35250869-C-T.
Other names: c.506C>T, p.Pro169Leu (NM_001005752.2); short protein forms P169L.
Identifiers: ClinVar variation 2193107 (VCV002193107.6), dbSNP rs978300170, ClinGen allele CA20571774.

ClinVar aggregate classification (germline): Uncertain significance. Review status: criteria provided, multiple submitters, no conflicts (2 of 4 stars). 2 submissions from 2 submitters: Uncertain significance (2). Last evaluated 2025-05-05.

Allele frequency attached by ClinVar (database versions not stated): gnomAD 0.00001; gnomAD exomes 0.00001; TOPMed 0.00003.
gnomAD v4.1: 11 of 1,613,804 alleles (0.00068%); highest among the groups gnomAD compares: Admixed American, 0.0017%; no homozygotes.

Submissions (2):

Labcorp Genetics (formerly Invitae), Labcorp
Classification: Uncertain significance. Last evaluated: 2025-05-05. Review status: criteria provided, single submitter. Criteria: Invitae Variant Classification Sherloc (09022015). Collection method: clinical testing. Allele origin: germline.
Comment: This sequence change replaces proline, which is neutral and non-polar, with leucine, which is neutral and non-polar, at codon 169 of the GJB3 protein (p.Pro169Leu). This variant is not present in population databases (gnomAD no frequency). This variant has not been reported in the literature in individuals affected with GJB3-related conditions. ClinVar contains an entry for this variant (Variation ID: 2193107). Invitae Evidence Modeling of protein sequence and biophysical properties (such as structural, functional, and spatial information, amino acid conservation, physicochemical variation, residue mobility, and thermodynamic stability) has been performed for this missense variant. However, the output from this modeling did not meet the statistical confidence thresholds required to predict the impact of this variant on GJB3 protein function. In summary, the available evidence is currently insufficient to determine the role of this variant in disease. Therefore, it has been classified as a Variant of Uncertain Significance.

Revvity Omics, Revvity
Classification: Uncertain significance. Last evaluated: 2022-06-08. Review status: criteria provided, single submitter. Criteria: ACMG Guidelines, 2015. Collection method: clinical testing. Allele origin: germline.